The following is an entry in ClinVar:

NM_003052.5(SLC34A1):c.745C>T (p.Arg249Ter)

Gene: SLC34A1 (solute carrier family 34 member 1; plus strand). Cytogenetic location: 5q35.3.
Variant type: single nucleotide variant.
Coding change: c.745C>T on transcript NM_003052.5 (MANE Select); coding-DNA position 745, C replaced by T.
Protein change: p.Arg249Ter; replaces arginine 249 with a stop codon.
Molecular consequence: nonsense.
Genome position (GRCh38, 1-based): chr5:177,388,094, C>T. VCF-style: chr5-177388094-C-T. GRCh37 (hg19) VCF-style: chr5-176815095-C-T.
Other names: c.745C>T, p.Arg249Ter (NM_001167579.2); short protein forms R249*.
Identifiers: ClinVar variation 929955 (VCV000929955.7), dbSNP rs1426432774, ClinGen allele CA362365348.

ClinVar aggregate classification (germline): Pathogenic/Likely pathogenic. Review status: criteria provided, multiple submitters, no conflicts (2 of 4 stars). 3 submissions from 3 submitters: Pathogenic (1); Likely pathogenic (2). Last evaluated 2024-09-11.

Conditions:
Hypercalcemia, infantile, 2 (HCINF2). Identifiers: Orphanet 300547, MedGen C4310473, MONDO:0014851, OMIM 616963.
Hypophosphatemic nephrolithiasis/osteoporosis 1. Identifiers: Orphanet 244305, MedGen C2676786, MONDO:0012850, OMIM 612286.
Fanconi renotubular syndrome 2 (FRTS2). Identifiers: MedGen C3150652, MONDO:0013247, OMIM 613388.
Autosomal recessive infantile hypercalcemia. Also called: Hypercalcemia, infantile. Identifiers: Orphanet 300547, MedGen C4329374, MONDO:0000212.

Allele frequency attached by ClinVar (database versions not stated): gnomAD 0.00001; gnomAD exomes 0.00001; TOPMed 0.00002.
gnomAD v4.1: 4 of 1,613,968 alleles (0.00025%); highest among the groups gnomAD compares: East Asian, 0.0022%; no homozygotes.

Submissions (3):

Labcorp Genetics (formerly Invitae), Labcorp
Classification: Pathogenic. Last evaluated: 2024-09-11. Review status: criteria provided, single submitter. Criteria: Invitae Variant Classification Sherloc (09022015). Collection method: clinical testing. Allele origin: germline.
Comment: This sequence change creates a premature translational stop signal (p.Arg249*) in the SLC34A1 gene. It is expected to result in an absent or disrupted protein product. Loss-of-function variants in SLC34A1 are known to be pathogenic (PMID: 26047794). This variant is present in population databases (no rsID available, gnomAD 0.006%). This variant has not been reported in the literature in individuals affected with SLC34A1-related conditions. ClinVar contains an entry for this variant (Variation ID: 929955). For these reasons, this variant has been classified as Pathogenic.

Fulgent Genetics
Classification: Likely pathogenic for Hypophosphatemic nephrolithiasis/osteoporosis 1; Fanconi renotubular syndrome 2; Hypercalcemia, infantile, 2. Last evaluated: 2021-08-25. Review status: criteria provided, single submitter. Criteria: ACMG Guidelines, 2015. Collection method: clinical testing. Allele origin: unknown.

Laboratory for Molecular Medicine, Mass General Brigham Personalized Medicine
Classification: Likely pathogenic for Autosomal recessive infantile hypercalcemia. Last evaluated: 2019-05-08. Review status: criteria provided, single submitter. Criteria: LMM Criteria. Collection method: clinical testing. Allele origin: germline. Inheritance: Autosomal recessive inheritance. Observed: 1 variant allele.
Comment: The p.Arg249X variant in SLC34A1 has not been previously reported in individuals with infantile hypercalcemia but has been identified in 1/18384 East Asian chromosomes by gnomAD. This nonsense variant leads to a premature termination codon at position 249, which is predicted to lead to a truncated or absent protein. Loss of function of the SLC34A1 gene is strongly associated to autosomal recessive infantile hypercalcemia. In summary, although additional studies are required to fully establish its clinical significance, this variant meets criteria to be classified as likely pathogenic for autosomal recessive infantile hypercalcemia. ACMG/AMP Criteria applied: PVS1, PM2.

Literature cited by the submitters: PubMed 26047794 (cited by Labcorp Genetics (formerly Invitae), Labcorp).